The following is an entry in ClinVar:

NM_002474.3(MYH11):c.1032A>G (p.Leu344=)

Gene: MYH11 (myosin heavy chain 11; minus strand). Cytogenetic location: 16p13.11.
Variant type: single nucleotide variant.
Coding change: c.1032A>G on transcript NM_002474.3 (MANE Select); coding-DNA position 1032, A replaced by G.
Protein change: p.Leu344=; no amino-acid change (leucine 344 retained).
Molecular consequence: synonymous variant.
Genome position (GRCh38, 1-based): chr16:15,771,570, T>C on the plus strand (A>G on the coding strand, the complement: MYH11 is on the minus strand). VCF-style: chr16-15771570-T-C. GRCh37 (hg19) VCF-style: chr16-15865427-T-C.
Other names: c.1053A>G, p.Leu351= (NM_001040113.2, NM_001040114.2); c.1032A>G, p.Leu344= (NM_022844.3).
Identifiers: ClinVar variation 514849 (VCV000514849.18), dbSNP rs112474866, ClinGen allele CA7922755.
Genomic context (GRCh38, chr16:15,771,570, plus strand): 5'-TAACAGGTTCCACTGGTATCCAGGCAAGCTACCCTCCAGACTCAAGGTGTGAGGCTTACA[T>C]AGCTGCTCCTCCTCGCTGAAACCCATGATTGCCATGGCCTCCACGGTTTCCTGGAACATC-3'
Protein context (NP_002465.1, residues 334-354): AIMGFSEEEQ[Leu344=]SILKVVSSVL

ClinVar aggregate classification (germline): Benign/Likely benign. Review status: criteria provided, multiple submitters, no conflicts (2 of 4 stars). 7 submissions from 7 submitters: Benign (1); Likely benign (6). Last evaluated 2026-09-01.

Conditions:
Familial thoracic aortic aneurysm and aortic dissection (TAAD). Also called: Thoracic aortic aneurysms and dissections. Identifiers: Orphanet 91387, MedGen C4707243, MONDO:0019625.
Aortic aneurysm, familial thoracic 4 (AAT4). Also called: AORTIC ANEURYSM/AORTIC DISSECTION AND PATENT DUCTUS ARTERIOSUS. Identifiers: MedGen C1851504, MONDO:0007568, OMIM 132900.

Allele frequency attached by ClinVar (database versions not stated): gnomAD below 0.00001 and 0.00004; TOPMed 0.00001; 1000 Genomes Project 30x 0.00078; 1000 Genomes Project 0.00080.
gnomAD v4.1: 108 of 1,613,442 alleles (0.0067%); highest among the groups gnomAD compares: South Asian, 0.11%; 2 homozygotes.

Submissions (8):

CeGaT Center for Human Genetics Tuebingen
Classification: Likely benign. Last evaluated: 2026-09-01. Review status: criteria provided, single submitter. Criteria: CeGaT Center For Human Genetics Tuebingen Variant Classification Criteria Version 2. Collection method: clinical testing. Allele origin: germline. Affected: yes. Observed: 1 variant allele.
Comment: MYH11: BP4, BP7

Labcorp Genetics (formerly Invitae), Labcorp
Classification: Benign for Aortic aneurysm, familial thoracic 4. Last evaluated: 2026-01-19. Review status: criteria provided, single submitter. Criteria: Invitae Variant Classification Sherloc (09022015). Collection method: clinical testing. Allele origin: germline.

All of Us Research Program, National Institutes of Health
Classification: Likely benign for Familial thoracic aortic aneurysm and aortic dissection. Last evaluated: 2023-12-13. Review status: criteria provided, single submitter. Criteria: ACMG Guidelines, 2015. Collection method: clinical testing. Allele origin: germline. Inheritance: Autosomal dominant inheritance. Observed: 8 variant alleles, 8 heterozygotes.
Comment: This study involves interpretation of variants in research participants for the purpose of population health screening. Participant phenotype was not available at the time of variant classification. Additional details can be found in publication PMID: 35346344, PMCID: PMC8962531

CHEO Genetics Diagnostic Laboratory, Children's Hospital of Eastern Ontario
Classification: Likely benign for Familial thoracic aortic aneurysm and aortic dissection. Last evaluated: 2022-11-24. Review status: criteria provided, single submitter. Criteria: ACMG Guidelines, 2015. Collection method: clinical testing. Allele origin: germline.

Ambry Genetics
Classification: Likely benign for Familial thoracic aortic aneurysm and aortic dissection. Last evaluated: 2022-09-13. Review status: criteria provided, single submitter. Criteria: Ambry Variant Classification Scheme 2023. Collection method: clinical testing. Allele origin: germline.

Color Diagnostics, LLC DBA Color Health
Classification: Likely benign for Familial thoracic aortic aneurysm and aortic dissection. Last evaluated: 2018-10-08. Review status: criteria provided, single submitter. Criteria: ACMG Guidelines, 2015. Collection method: clinical testing. Allele origin: germline.

GeneDx
Classification: Likely benign. Last evaluated: 2018-01-18. Review status: criteria provided, single submitter. Criteria: GeneDx Variant Classification (06012015). Collection method: clinical testing. Allele origin: germline. Affected: yes.
Comment: This variant is considered likely benign or benign based on one or more of the following criteria: it is a conservative change, it occurs at a poorly conserved position in the protein, it is predicted to be benign by multiple in silico algorithms, and/or has population frequency not consistent with disease.

Dr. Peter K. Rogan Lab, Western University
No classification provided (evidence only). Condition: Thyroid cancer, nonmedullary, 1. Review status: no classification provided. Collection method: in vitro. Allele origin: not applicable. Functional consequence: retained intron. Not counted in ClinVar's aggregate classification.